The following is an entry in ClinVar:

ClinVar aggregate classification (germline): Uncertain significance (1 of 4 stars; one submission).

Conditions:
Inborn genetic diseases. Identifiers: MedGen C0950123, MeSH D030342.

Allele frequency attached by ClinVar (database versions not stated): ExAC 0.00001; gnomAD 0.00001.
gnomAD v4.1: 2 of 1,614,002 alleles (0.00012%); highest among the groups gnomAD compares: East Asian, 0.0045%; no homozygotes.

Submission:

Ambry Genetics
Classification: Uncertain significance for Inborn genetic diseases. Last evaluated: 2021-09-19. Review status: criteria provided, single submitter. Criteria: Ambry Variant Classification Scheme 2023. Collection method: clinical testing. Allele origin: germline.
Comment: The c.1357+4G>C intronic alteration consists of a G to C substitution nucleotides after coding exon 9 in the TTC19 gene. Based on insufficient or conflicting evidence, the clinical significance of this alteration remains unclear.

NM_017775.4(TTC19):c.994+4G>C

Gene: TTC19 (tetratricopeptide repeat domain 19; plus strand). Cytogenetic location: 17p12.
Variant type: single nucleotide variant.
Coding change: c.994+4G>C on transcript NM_017775.4 (MANE Select); 4 bases into the intron after coding-DNA position 994, G replaced by C.
Molecular consequence: intron variant.
Genome position (GRCh38, 1-based): chr17:16,026,706, G>C. VCF-style: chr17-16026706-G-C. GRCh37 (hg19) VCF-style: chr17-15930020-G-C.
Other names: c.673+4G>C (NM_001271420.2).
Identifiers: ClinVar variation 2248978 (VCV002248978.2), dbSNP rs774851485, ClinGen allele CA8407569.